The following is an entry in ClinVar:

NM_003002.4(SDHD):c.*5T>C

Gene: SDHD (succinate dehydrogenase complex subunit D; plus strand). Cytogenetic location: 11q23.1.
Variant type: single nucleotide variant.
Coding change: c.*5T>C on transcript NM_003002.4 (MANE Select); 5 bases downstream of the stop codon, T replaced by C.
Molecular consequence: 3 prime UTR variant. On other transcripts: non-coding transcript variant (1).
Genome position (GRCh38, 1-based): chr11:112,094,975, T>C. VCF-style: chr11-112094975-T-C. GRCh37 (hg19) VCF-style: chr11-111965699-T-C.
Other names: c.*82T>C (NM_001276503.2); c.*5T>C (NM_001276504.2); c.*183T>C (NM_001276506.2).
Identifiers: ClinVar variation 480856 (VCV000480856.21), dbSNP rs201987672, ClinGen allele CA071542.
Genomic context (GRCh38, chr11:112,094,975, plus strand): 5'-TCAACTATCACGATGTGGGCATCTGCAAAGCTGTTGCCATGCTGTGGAAGCTCTGACCTT[T>C]TTGACTTCATACTTTGAAGAATTGATGTATGCCTCTTTGCCTCTGCTTTGTCATGCCATT-3'

ClinVar aggregate classification (germline): Conflicting classifications of pathogenicity. Review status: criteria provided, conflicting classifications (1 of 4 stars). 8 submissions from 8 submitters: Uncertain significance (1); Benign (1); Likely benign (5). 1 of the submissions does not count toward it. Last evaluated 2025-03-18.

Conditions:
Cowden syndrome (CS). Also called: Cowden's disease; Cowden's syndrome; Cowden disease. Identifiers: Orphanet 201, MedGen C0018553, MONDO:0016063. Disease mechanism: gain of function.
SDHD-related disorder. Also called: SDHD-related condition.
Hereditary cancer-predisposing syndrome. Also called: Hereditary Cancer Syndrome; Tumor predisposition; Hereditary neoplastic syndrome; Neoplastic Syndromes, Hereditary. Identifiers: Orphanet 140162, MedGen C0027672, MeSH D009386, MONDO:0015356.
Pheochromocytoma/paraganglioma syndrome 1. Also called: Paragangliomas 1; Glomus tumors familial 1; PARAGANGLIOMAS, FAMILIAL NONCHROMAFFIN, 1; PGL 1; Paragangliomas familial 1; PARAGANGLIOMATA. Identifiers: Orphanet 29072, MedGen C3494181, MONDO:0008192, OMIM 168000.
Hereditary pheochromocytoma and paraganglioma. Also called: Hereditary Paraganglioma-Pheochromocytoma Syndromes; Hereditary paragangliomas and pheochromocytomas; Hereditary pheochromocytoma-paraganglioma. Identifiers: Orphanet 29072, MedGen C4274332, MONDO:0017366.

Allele frequency attached by ClinVar (database versions not stated): ExAC 0.00008; gnomAD exomes 0.00013 and 0.00028; gnomAD 0.00019 and 0.00020; 1000 Genomes Project 0.00020; TOPMed 0.00023; 1000 Genomes Project 30x 0.00031.
gnomAD v4.1: 439 of 1,610,506 alleles (0.027%); highest among the groups gnomAD compares: Non-Finnish European, 0.034%; no homozygotes.

Submissions (8):

Myriad Genetics, Inc.
Classification: Benign for Pheochromocytoma/paraganglioma syndrome 1. Last evaluated: 2025-03-18. Review status: criteria provided, single submitter. Criteria: Myriad Autosomal Dominant, Autosomal Recessive and X-Linked Classification Criteria (2023). Collection method: clinical testing. Allele origin: unknown.
Comment: This variant is considered benign. This variant occurs in the non-coding 3' untranslated region of the gene and is not expected to impact protein function.

GeneDx
Classification: Likely benign. Last evaluated: 2024-08-20. Review status: criteria provided, single submitter. Criteria: GeneDx Variant Classification Process June 2021. Collection method: clinical testing. Allele origin: germline. Affected: yes.
Comment: See Variant Classification Assertion Criteria.

All of Us Research Program, National Institutes of Health
Classification: Likely benign for Hereditary pheochromocytoma and paraganglioma. Last evaluated: 2024-02-05. Review status: criteria provided, single submitter. Criteria: ACMG Guidelines, 2015. Collection method: clinical testing. Allele origin: germline. Inheritance: Autosomal dominant inheritance. Observed: 50 variant alleles, 50 heterozygotes.
Comment: This variant is located in the 3' untranslated region of the SDHD gene. To our knowledge, functional studies have not been reported for this variant. This variant has not been reported in individuals affected with SDHD-related disorders in the literature. This variant has been identified in 38/279114 chromosomes in the general population by the Genome Aggregation Database (gnomAD). The available evidence is insufficient to determine the role of this variant in disease conclusively. Therefore, this variant is classified as a Variant of Uncertain Significance.

This study involves interpretation of variants in research participants for the purpose of population health screening. Participant phenotype was not available at the time of variant classification. Additional details can be found in publication PMID: 35346344, PMCID: PMC8962531

Color Diagnostics, LLC DBA Color Health
Classification: Likely benign for Hereditary pheochromocytoma and paraganglioma. Last evaluated: 2024-01-30. Review status: criteria provided, single submitter. Criteria: ACMG Guidelines, 2015. Collection method: clinical testing. Allele origin: germline.

Quest Diagnostics Nichols Institute San Juan Capistrano
Classification: Likely benign. Last evaluated: 2022-12-15. Review status: criteria provided, single submitter. Criteria: Quest Diagnostics criteria. Collection method: clinical testing. Allele origin: unknown.

Department of Pathology and Laboratory Medicine, Sinai Health System
Classification: Likely benign for Cowden syndrome. Last evaluated: 2022-09-28. Review status: criteria provided, single submitter. Criteria: ACMG Guidelines, 2015. Collection method: clinical testing. Allele origin: germline. Affected: yes.

Ambry Genetics
Classification: Uncertain significance for Hereditary cancer-predisposing syndrome. Last evaluated: 2017-07-03. Review status: criteria provided, single submitter. Criteria: Ambry Variant Classification Scheme 2023. Collection method: clinical testing. Allele origin: germline.
Comment: The c.*5T>C variant is located in the 3' untranslated region (3&rsquo; UTR) of the SDHD gene. This variant results from a T to C substitution 5 nucleotides after the last translated codon. This nucleotide position is not well conserved in available vertebrate species. Since supporting evidence is limited at this time, the clinical significance of this alteration remains unclear.

PreventionGenetics, part of Exact Sciences
Classification: Likely benign for SDHD-related condition. Last evaluated: 2022-08-31. Review status: no assertion criteria provided. Collection method: clinical testing. Allele origin: germline. Not counted in ClinVar's aggregate classification.
Comment: This variant is classified as likely benign based on ACMG/AMP sequence variant interpretation guidelines (Richards et al. 2015 PMID: 25741868, with internal and published modifications).